The following is an entry in ClinVar:

NM_001282531.3(ADNP):c.2113C>T (p.Arg705Trp)

Gene: ADNP (activity dependent neuroprotector homeobox; minus strand). Cytogenetic location: 20q13.13.
Variant type: single nucleotide variant.
Coding change: c.2113C>T on transcript NM_001282531.3 (MANE Select); coding-DNA position 2113, C replaced by T.
Protein change: p.Arg705Trp; replaces arginine 705 with tryptophan.
Molecular consequence: missense variant.
Genome position (GRCh38, 1-based): chr20:50,892,601, G>A on the plus strand (C>T on the coding strand, the complement: ADNP is on the minus strand). VCF-style: chr20-50892601-G-A. GRCh37 (hg19) VCF-style: chr20-49509138-G-A.
Other names: c.2113C>T, p.Arg705Trp (NM_001282532.2, NM_001347511.2, NM_015339.5 and 1 more transcripts); short protein forms R705W.
Identifiers: ClinVar variation 2499960 (VCV002499960.2), dbSNP rs773922977, ClinGen allele CA9908648.

ClinVar aggregate classification (germline): Uncertain significance (1 of 4 stars; one submission).

Allele frequency attached by ClinVar (database versions not stated): TOPMed below 0.00001; ExAC 0.00001; gnomAD 0.00001.
gnomAD v4.1: 10 of 1,614,112 alleles (0.00062%); highest among the groups gnomAD compares: East Asian, 0.0022%; no homozygotes.

Submission:

GeneDx
Classification: Uncertain significance. Last evaluated: 2023-07-17. Review status: criteria provided, single submitter. Criteria: GeneDx Variant Classification Process June 2021. Collection method: clinical testing. Allele origin: germline.
Comment: In silico analysis supports that this missense variant does not alter protein structure/function; Has not been previously published as pathogenic or benign to our knowledge